The following is an entry in ClinVar:

ClinVar aggregate classification (germline): Uncertain significance (1 of 4 stars; one submission).

Submission:

GeneDx
Classification: Uncertain significance. Last evaluated: 2024-03-05. Review status: criteria provided, single submitter. Criteria: GeneDx Variant Classification Process June 2021. Collection method: clinical testing. Allele origin: germline. Affected: yes.
Comment: Not observed at significant frequency in large population cohorts (gnomAD); In silico analysis supports that this missense variant does not alter protein structure/function; Has not been previously published as pathogenic or benign to our knowledge

NM_001282531.3(ADNP):c.2522A>G (p.Asp841Gly)

Gene: ADNP (activity dependent neuroprotector homeobox; minus strand). Cytogenetic location: 20q13.13.
Variant type: single nucleotide variant.
Coding change: c.2522A>G on transcript NM_001282531.3 (MANE Select); coding-DNA position 2522, A replaced by G.
Protein change: p.Asp841Gly; replaces aspartic acid 841 with glycine.
Molecular consequence: missense variant.
Genome position (GRCh38, 1-based): chr20:50,892,192, T>C on the plus strand (A>G on the coding strand, the complement: ADNP is on the minus strand). VCF-style: chr20-50892192-T-C. GRCh37 (hg19) VCF-style: chr20-49508729-T-C.
Other names: c.2522A>G, p.Asp841Gly (NM_001282532.2, NM_001347511.2, NM_015339.5 and 1 more transcripts); short protein forms D841G.
Identifiers: ClinVar variation 3373751 (VCV003373751.1).